The following is an entry in ClinVar:

ClinVar aggregate classification (germline): Likely benign. Review status: criteria provided, multiple submitters, no conflicts (2 of 4 stars). 5 submissions from 5 submitters: Likely benign (5). Last evaluated 2025-10-09.

Conditions:
Cardiomyopathy (CMYO). Also called: Cardiomyopathies. Identifiers: Orphanet 167848, MedGen C0878544, MONDO:0004994, HP:0001638. Inheritance: Various modes of inheritance.
Dilated cardiomyopathy 1G (CMD1G). Identifiers: Orphanet 154, MedGen C1858763, MONDO:0011400, OMIM 604145.
Autosomal recessive limb-girdle muscular dystrophy type 2J (LGMDR10). Also called: Limb-girdle muscular dystrophy, type 2J; MUSCULAR DYSTROPHY, LIMB-GIRDLE, AUTOSOMAL RECESSIVE 10. Identifiers: Orphanet 140922, MedGen C1837342, MONDO:0012127, OMIM 608807.

Allele frequency attached by ClinVar (database versions not stated): gnomAD 0.00001 and 0.00002; TOPMed 0.00003; gnomAD exomes 0.00004; ExAC 0.00005; 1000 Genomes Project 0.00020; 1000 Genomes Project 30x 0.00031.

Submissions (5):

Mayo Clinic Laboratories, Mayo Clinic
Classification: Likely benign. Last evaluated: 2025-10-09. Review status: criteria provided, single submitter. Criteria: ACMG Guidelines, 2015. Collection method: clinical testing. Allele origin: germline. Observed: 1 variant allele.
Comment: BP4, BP7

Labcorp Genetics (formerly Invitae), Labcorp
Classification: Likely benign for Dilated cardiomyopathy 1G; Autosomal recessive limb-girdle muscular dystrophy type 2J. Last evaluated: 2025-09-15. Review status: criteria provided, single submitter. Criteria: Invitae Variant Classification Sherloc (09022015). Collection method: clinical testing. Allele origin: germline.

CHEO Genetics Diagnostic Laboratory, Children's Hospital of Eastern Ontario
Classification: Likely benign for Cardiomyopathy. Last evaluated: 2018-03-26. Review status: criteria provided, single submitter. Criteria: ACMG Guidelines, 2015. Collection method: clinical testing. Allele origin: germline.

Genetic Services Laboratory, University of Chicago
Classification: Likely benign. Last evaluated: 2016-04-27. Review status: criteria provided, single submitter. Criteria: ACMG Guidelines, 2015. Collection method: clinical testing. Allele origin: germline. Affected: no.

GeneDx
Classification: Likely benign. Last evaluated: 2016-04-25. Review status: criteria provided, single submitter. Criteria: GeneDx Variant Classification (06012015). Collection method: clinical testing. Allele origin: germline. Affected: yes.
Comment: This variant is considered likely benign or benign based on one or more of the following criteria: it is a conservative change, it occurs at a poorly conserved position in the protein, it is predicted to be benign by multiple in silico algorithms, and/or has population frequency not consistent with disease.

NM_001267550.2(TTN):c.24888T>C (p.Ser8296=)

Gene: TTN (titin; minus strand). Cytogenetic location: 2q31.2.
Variant type: single nucleotide variant.
Coding change: c.24888T>C on transcript NM_001267550.2 (MANE Select); coding-DNA position 24888, T replaced by C.
Protein change: p.Ser8296=; no amino-acid change (serine 8296 retained).
Molecular consequence: synonymous variant. On other transcripts: intron variant (3).
Genome position (GRCh38, 1-based): chr2:178,718,118, A>G on the plus strand (T>C on the coding strand, the complement: TTN is on the minus strand). VCF-style: chr2-178718118-A-G. GRCh37 (hg19) VCF-style: chr2-179582845-A-G.
Other names: p.Ser7052=; c.23937T>C, p.Ser7979= (NM_001256850.1); c.21156T>C, p.Ser7052= (NM_133378.4); c.13282+19964T>C (NM_003319.4); c.13858+19964T>C (NM_133437.4); c.13657+19964T>C (NM_133432.3).
Identifiers: ClinVar variation 385790 (VCV000385790.18), dbSNP rs535603112, ClinGen allele CA2000329.